The following is an entry in ClinVar:

NM_033068.3(ACP4):c.550-8G>A

Gene: ACP4 (acid phosphatase 4; plus strand). Cytogenetic location: 19q13.33.
Variant type: single nucleotide variant.
Coding change: c.550-8G>A on transcript NM_033068.3 (MANE Select); 8 bases into the intron before coding-DNA position 550, G replaced by A.
Molecular consequence: intron variant.
Genome position (GRCh38, 1-based): chr19:50,792,234, G>A. VCF-style: chr19-50792234-G-A. GRCh37 (hg19) VCF-style: chr19-51295491-G-A.
Identifiers: ClinVar variation 3041362 (VCV003041362.3), dbSNP rs144745203, ClinGen allele CA9603051.

ClinVar aggregate classification (germline): Likely benign. Review status: criteria provided, single submitter (1 of 4 stars). 2 submissions from 2 submitters: Likely benign (1). 1 of the submissions does not count toward it. Last evaluated 2024-11-20.

Conditions:
ACP4-related disorder. Also called: ACP4-related condition.

Allele frequency attached by ClinVar (database versions not stated): 1000 Genomes Project 0.00080; ExAC 0.00093; 1000 Genomes Project 30x 0.00094; gnomAD 0.00100; ESP Exome Variant Server 0.00115; gnomAD exomes 0.00152.
gnomAD v4.1: 2,349 of 1,612,844 alleles (0.15%); highest among the groups gnomAD compares: Non-Finnish European, 0.18%; 4 homozygotes.

Submissions (2):

Blueprint Genetics
Classification: Likely benign. Last evaluated: 2024-11-20. Review status: criteria provided, single submitter. Criteria: ACMG Guidelines, 2015. Collection method: clinical testing. Allele origin: germline.

PreventionGenetics, part of Exact Sciences
Classification: Likely benign for ACP4-related condition. Last evaluated: 2019-12-31. Review status: no assertion criteria provided. Collection method: clinical testing. Allele origin: germline. Not counted in ClinVar's aggregate classification.
Comment: This variant is classified as likely benign based on ACMG/AMP sequence variant interpretation guidelines (Richards et al. 2015 PMID: 25741868, with internal and published modifications).